The following is an entry in ClinVar:

NM_005012.4(ROR1):c.2090G>A (p.Ser697Asn)

Gene: ROR1 (receptor tyrosine kinase like orphan receptor 1; plus strand). Cytogenetic location: 1p31.3.
Variant type: single nucleotide variant.
Coding change: c.2090G>A on transcript NM_005012.4 (MANE Select); coding-DNA position 2090, G replaced by A.
Protein change: p.Ser697Asn; replaces serine 697 with asparagine.
Molecular consequence: missense variant.
Genome position (GRCh38, 1-based): chr1:64,178,131, G>A. VCF-style: chr1-64178131-G-A. GRCh37 (hg19) VCF-style: chr1-64643814-G-A.
Other names: short protein forms S697N.
Identifiers: ClinVar variation 4777809 (VCV004777809.1).

ClinVar aggregate classification (germline): Uncertain significance (1 of 4 stars; one submission).

Submission:

Labcorp Genetics (formerly Invitae), Labcorp
Classification: Uncertain significance. Last evaluated: 2025-02-10. Review status: criteria provided, single submitter. Criteria: Invitae Variant Classification Sherloc (09022015). Collection method: clinical testing. Allele origin: germline.
Comment: This sequence change replaces serine, which is neutral and polar, with asparagine, which is neutral and polar, at codon 697 of the ROR1 protein (p.Ser697Asn). This variant is not present in population databases (gnomAD no frequency). This variant has not been reported in the literature in individuals affected with ROR1-related conditions. Invitae Evidence Modeling of protein sequence and biophysical properties (such as structural, functional, and spatial information, amino acid conservation, physicochemical variation, residue mobility, and thermodynamic stability) indicates that this missense variant is not expected to disrupt ROR1 protein function with a negative predictive value of 80%. In summary, the available evidence is currently insufficient to determine the role of this variant in disease. Therefore, it has been classified as a Variant of Uncertain Significance.